The following is an entry in ClinVar:

ClinVar aggregate classification (germline): Pathogenic. Review status: criteria provided, multiple submitters, no conflicts (2 of 4 stars). 4 submissions from 4 submitters: Pathogenic (4). Last evaluated 2023-04-28.

Conditions:
Familial adenomatous polyposis 1 (FAP1). Also called: FAMILIAL ADENOMATOUS POLYPOSIS 1, ATTENUATED; POLYPOSIS, ADENOMATOUS INTESTINAL. Identifiers: MedGen C2713442, MONDO:0021056, OMIM 175100. Disease mechanism: loss of function.
Hereditary cancer-predisposing syndrome. Also called: Hereditary neoplastic syndrome; Tumor predisposition; Neoplastic Syndromes, Hereditary; Hereditary Cancer Syndrome. Identifiers: Orphanet 140162, MedGen C0027672, MeSH D009386, MONDO:0015356.

Submissions (4):

Myriad Genetics, Inc.
Classification: Pathogenic for Familial adenomatous polyposis 1. Last evaluated: 2023-04-28. Review status: criteria provided, single submitter. Criteria: Myriad Autosomal Dominant, Autosomal Recessive and X-Linked Classification Criteria (2023). Collection method: clinical testing. Allele origin: unknown.
Comment: This variant is considered pathogenic. This variant creates a frameshift predicted to result in premature protein truncation.

Sema4
Classification: Pathogenic for Hereditary cancer-predisposing syndrome. Last evaluated: 2022-02-21. Review status: criteria provided, single submitter. Criteria: Sema4 Curation Guidelines. Collection method: curation. Allele origin: germline.
Comment: To the best of our knowledge, the APC c.956delT (p.L319CfsX17) variant has not been reported in individuals with APC-related disease. This variant causes a frameshift at amino acid 319 that results in premature termination 17 amino acids downstream. At this location, this variant is predicted to cause loss of normal protein function either through protein truncation or nonsense-mediated mRNA decay. Loss of function variants in APC are known to be pathogenic (PMID: 17963004, 20685668). This variant is not reported in the population database Genome Aggregation Database (PMID: 32461654), but has been reported in ClinVar (Variation ID: 418926). Based on the current evidence available, this variant is interpreted as pathogenic.

Labcorp Genetics (formerly Invitae), Labcorp
Classification: Pathogenic for Familial adenomatous polyposis 1. Last evaluated: 2018-06-21. Review status: criteria provided, single submitter. Criteria: Invitae Variant Classification Sherloc (09022015). Collection method: clinical testing. Allele origin: germline.
Comment: This variant is not present in population databases (ExAC no frequency). This sequence change creates a premature translational stop signal (p.Leu319Cysfs*17) in the APC gene. It is expected to result in an absent or disrupted protein product. This variant has not been reported in the literature in individuals with APC-related disease. ClinVar contains an entry for this variant (Variation ID: 418926). Loss-of-function variants in APC are known to be pathogenic (PMID: 17963004, 20685668). For these reasons, this variant has been classified as Pathogenic.

GeneDx
Classification: Pathogenic. Last evaluated: 2015-04-20. Review status: criteria provided, single submitter. Criteria: GeneDx Variant Classification (06012015). Collection method: clinical testing. Allele origin: germline. Affected: yes.
Comment: This deletion of one nucleotide in APC is denoted c.956delT at the cDNA level and p.Leu319CysfsX17 (L319CfsX17) at the protein level. The normal sequence, with the base that is deleted in braces, is TTGT[T]GTCA. The deletion causes a frameshift, which changes a Leucine to a Cysteine at codon 319, and creates a premature stop codon at position 17 of the new reading frame. Although this variant has not, to our knowledge, been reported in the literature, it is predicted to cause loss of normal protein function through either protein truncation or nonsense-mediated mRNA decay. we consider this variant to be pathogenic.

Literature cited by the submitters: PubMed 17963004 (cited by Sema4 and Labcorp Genetics (formerly Invitae), Labcorp); PubMed 20685668 (cited by Sema4 and Labcorp Genetics (formerly Invitae), Labcorp).

NM_000038.6(APC):c.956del (p.Leu319fs)

Gene: APC (APC regulator of Wnt signaling pathway; plus strand). Cytogenetic location: 5q22.2.
Variant type: Deletion.
Coding change: c.956del on transcript NM_000038.6 (MANE Select); coding-DNA position 956, one base deleted (T; older notation c.956delT).
Protein change: p.Leu319fs; shifts the reading frame from leucine 319.
Molecular consequence: frameshift variant. On other transcripts: intron variant (4).
Genome position (GRCh38, 1-based): chr5:112,818,988, T deleted; the last of 2 consecutive T bases (chr5:112,818,987-112,818,988); deleting either gives the same sequence. VCF-style (leftmost placement, unchanged base first): chr5-112818986-GT-G. GRCh37 (hg19) VCF-style: chr5-112154683-GT-G.
Other names: c.956del, p.Leu319fs (NM_001127510.3, NM_001354895.2, NM_001354896.2); c.902del, p.Leu301fs (NM_001127511.3); c.986del, p.Leu329fs (NM_001354897.2); c.881del, p.Leu294fs (NM_001354898.2); c.872del, p.Leu291fs (NM_001354899.2); c.779del, p.Leu260fs (NM_001354900.2, NM_001354901.2); c.107del, p.Leu36fs (NM_001354906.2); c.964-281del (NM_001354902.2); and 3 more; short protein forms L260fs, L301fs, L319fs, L294fs, L291fs, L36fs, L329fs.
Identifiers: ClinVar variation 418926 (VCV000418926.10), dbSNP rs1064793530, ClinGen allele CA16618070.
Genomic context (GRCh38, chr5:112,818,986, plus strand): 5'-TAAAGTCGTAATTTTGTTTCTAAACTCATTTGGCCCACAGGTGGAAATGGTGTATTCATT[GT>G]TGTCAATGCTTGGTACTCATGATAAGGATGATATGTCGCGAACTTTGCTAGCTATGTCTA-3'